The following is an entry in ClinVar:

NM_001111.5(ADAR):c.3064T>C (p.Trp1022Arg)

Gene: ADAR (adenosine deaminase RNA specific; minus strand). Cytogenetic location: 1q21.3.
Variant type: single nucleotide variant.
Coding change: c.3064T>C on transcript NM_001111.5 (MANE Select); coding-DNA position 3064, T replaced by C.
Protein change: p.Trp1022Arg; replaces tryptophan 1022 with arginine.
Molecular consequence: missense variant.
Genome position (GRCh38, 1-based): chr1:154,586,319, A>G on the plus strand (T>C on the coding strand, the complement: ADAR is on the minus strand). VCF-style: chr1-154586319-A-G. GRCh37 (hg19) VCF-style: chr1-154558795-A-G.
Other names: c.2986T>C, p.Trp996Arg (NM_015840.4); c.2929T>C, p.Trp977Arg (NM_015841.4); c.2179T>C, p.Trp727Arg (NM_001025107.3, NM_001193495.2, NM_001365046.1 and 2 more transcripts); c.3091T>C, p.Trp1031Arg (NM_001365045.1); c.2101T>C, p.Trp701Arg (NM_001365049.1); short protein forms W1022R, W701R, W727R, W977R, W1031R, W996R.
Identifiers: ClinVar variation 2119914 (VCV002119914.4), dbSNP rs2526465917, ClinGen allele CA342635808.

ClinVar aggregate classification (germline): Uncertain significance (1 of 4 stars; one submission).

Conditions:
Aicardi-Goutieres syndrome 6 (AGS6). Identifiers: Orphanet 51, MedGen C3539013, MONDO:0014007, OMIM 615010.
Symmetrical dyschromatosis of extremities (DSH). Also called: DYSCHROMATOSIS SYMMETRICA HEREDITARIA 1; RETICULATE ACROPIGMENTATION OF DOHI; SYMMETRIC DYSCHROMATOSIS OF THE EXTREMITIES; Dyschromatosis symmetrica hereditaria. Identifiers: Orphanet 41, MedGen C0406775, MONDO:0007483, OMIM 127400.

Allele frequency attached by ClinVar (database versions not stated): gnomAD exomes below 0.00001.
gnomAD v4.1: 2 of 1,614,190 alleles (0.00012%); highest among the groups gnomAD compares: Non-Finnish European, 0.00017%; no homozygotes.

Submission:

Labcorp Genetics (formerly Invitae), Labcorp
Classification: Uncertain significance for Aicardi-Goutieres syndrome 6; Symmetrical dyschromatosis of extremities. Last evaluated: 2023-06-15. Review status: criteria provided, single submitter. Criteria: Invitae Variant Classification Sherloc (09022015). Collection method: clinical testing. Allele origin: germline.
Comment: This sequence change replaces tryptophan, which is neutral and slightly polar, with arginine, which is basic and polar, at codon 1022 of the ADAR protein (p.Trp1022Arg). This variant has not been reported in the literature in individuals affected with ADAR-related conditions. This variant is not present in population databases (gnomAD no frequency). In summary, the available evidence is currently insufficient to determine the role of this variant in disease. Therefore, it has been classified as a Variant of Uncertain Significance. Advanced modeling of protein sequence and biophysical properties (such as structural, functional, and spatial information, amino acid conservation, physicochemical variation, residue mobility, and thermodynamic stability) has been performed at Invitae for this missense variant, however the output from this modeling did not meet the statistical confidence thresholds required to predict the impact of this variant on ADAR protein function. ClinVar contains an entry for this variant (Variation ID: 2119914).